The following is an entry in ClinVar:

ClinVar aggregate classification (germline): Uncertain significance (1 of 4 stars; one submission).

Allele frequency attached by ClinVar (database versions not stated): gnomAD 0.00001; ESP Exome Variant Server 0.00009.

Submission:

Labcorp Genetics (formerly Invitae), Labcorp
Classification: Uncertain significance. Last evaluated: 2023-12-01. Review status: criteria provided, single submitter. Criteria: Invitae Variant Classification Sherloc (09022015). Collection method: clinical testing. Allele origin: germline.
Comment: This sequence change replaces alanine, which is neutral and non-polar, with valine, which is neutral and non-polar, at codon 915 of the DRP2 protein (p.Ala915Val). This variant is present in population databases (rs372434673, gnomAD 0.01%). This variant has not been reported in the literature in individuals affected with DRP2-related conditions. Algorithms developed to predict the effect of missense changes on protein structure and function output the following: SIFT: "Not Available"; PolyPhen-2: "Benign"; Align-GVGD: "Not Available". The valine amino acid residue is found in multiple mammalian species, which suggests that this missense change does not adversely affect protein function. In summary, the available evidence is currently insufficient to determine the role of this variant in disease. Therefore, it has been classified as a Variant of Uncertain Significance.

NM_001939.3(DRP2):c.2744C>T (p.Ala915Val)

Gene: DRP2 (dystrophin related protein 2; plus strand). Cytogenetic location: Xq22.1.
Variant type: single nucleotide variant.
Coding change: c.2744C>T on transcript NM_001939.3 (MANE Select); coding-DNA position 2744, C replaced by T.
Protein change: p.Ala915Val; replaces alanine 915 with valine.
Molecular consequence: missense variant.
Genome position (GRCh38, 1-based): chrX:101,260,164, C>T. VCF-style: chrX-101260164-C-T. GRCh37 (hg19) VCF-style: chrX-100515153-C-T.
Other names: c.2510C>T, p.Ala837Val (NM_001171184.2); short protein forms A837V, A915V.
Identifiers: ClinVar variation 3010311 (VCV003010311.3), dbSNP rs372434673, ClinGen allele CA10472526.